The following is an entry in ClinVar:

ClinVar aggregate classification (germline): Uncertain significance (1 of 4 stars; one submission).

Conditions:
Short QT syndrome type 3. Identifiers: Orphanet 51083, MedGen C1865018, MONDO:0012314, OMIM 609622.
Andersen Tawil syndrome (LQT7). Also called: ANDERSEN CARDIODYSRHYTHMIC PERIODIC PARALYSIS; Potassium-sensitive periodic paralysis, ventricular ectopy, and dysmorphic features; Andersen Syndrome; PERIODIC PARALYSIS, POTASSIUM-SENSITIVE CARDIODYSRHYTHMIC TYPE; LONG QT SYNDROME 7. Identifiers: Orphanet 37553, MedGen C1563715, MONDO:0008222, OMIM 170390.

Allele frequency attached by ClinVar (database versions not stated): gnomAD exomes below 0.00001 and 0.00001; TOPMed below 0.00001; gnomAD 0.00001.
gnomAD v4.1: 4 of 1,613,790 alleles (0.00025%); highest among the groups gnomAD compares: Non-Finnish European, 0.00034%; no homozygotes.

Submission:

Labcorp Genetics (formerly Invitae), Labcorp
Classification: Uncertain significance for Short QT syndrome type 3; Andersen Tawil syndrome. Last evaluated: 2026-01-04. Review status: criteria provided, single submitter. Criteria: Invitae Variant Classification Sherloc (09022015). Collection method: clinical testing. Allele origin: germline.
Comment: This sequence change replaces asparagine, which is neutral and polar, with serine, which is neutral and polar, at codon 372 of the KCNJ2 protein (p.Asn372Ser). This variant is present in population databases (no rsID available, gnomAD 0.0009%). This variant has not been reported in the literature in individuals affected with KCNJ2-related conditions. ClinVar contains an entry for this variant (Variation ID: 1491402). Invitae Evidence Modeling of protein sequence and biophysical properties (such as structural, functional, and spatial information, amino acid conservation, physicochemical variation, residue mobility, and thermodynamic stability) indicates that this missense variant is not expected to disrupt KCNJ2 protein function with a negative predictive value of 95%. In summary, the available evidence is currently insufficient to determine the role of this variant in disease. Therefore, it has been classified as a Variant of Uncertain Significance.

NM_000891.3(KCNJ2):c.1115A>G (p.Asn372Ser)

Gene: KCNJ2 (potassium inwardly rectifying channel subfamily J member 2; plus strand). Cytogenetic location: 17q24.3.
Variant type: single nucleotide variant.
Coding change: c.1115A>G on transcript NM_000891.3 (MANE Select); coding-DNA position 1115, A replaced by G.
Protein change: p.Asn372Ser; replaces asparagine 372 with serine.
Molecular consequence: missense variant.
Genome position (GRCh38, 1-based): chr17:70,176,154, A>G. VCF-style: chr17-70176154-A-G. GRCh37 (hg19) VCF-style: chr17-68172295-A-G.
Other names: short protein forms N372S.
Identifiers: ClinVar variation 1491402 (VCV001491402.8), dbSNP rs1279418065, ClinGen allele CA400863565.